The following is an entry in ClinVar:

NM_001792.5(CDH2):c.141G>A (p.Lys47=)

Gene: CDH2 (cadherin 2; minus strand). Cytogenetic location: 18q12.1.
Variant type: single nucleotide variant.
Coding change: c.141G>A on transcript NM_001792.5 (MANE Select); coding-DNA position 141, G replaced by A.
Protein change: p.Lys47=; no amino-acid change (lysine 47 retained).
Molecular consequence: synonymous variant.
Genome position (GRCh38, 1-based): chr18:28,147,704, C>T on the plus strand (G>A on the coding strand, the complement: CDH2 is on the minus strand). VCF-style: chr18-28147704-C-T. GRCh37 (hg19) VCF-style: chr18-25727668-C-T.
Other names: c.141G>A (NM_001792.4).
Identifiers: ClinVar variation 1670956 (VCV001670956.15), dbSNP rs145211596, ClinGen allele CA8923824.

ClinVar aggregate classification (germline): Benign/Likely benign. Review status: criteria provided, multiple submitters, no conflicts (2 of 4 stars). 6 submissions from 6 submitters: Benign (2); Likely benign (3). 1 of the submissions does not count toward it. Last evaluated 2026-01-16.

Conditions:
Inborn genetic diseases. Identifiers: MedGen C0950123, MeSH D030342.
CDH2-related disorder. Also called: CDH2-related condition.

Allele frequency attached by ClinVar (database versions not stated): gnomAD exomes 0.00008 and 0.00022; ExAC 0.00032; 1000 Genomes Project 30x 0.00078; gnomAD 0.00095 and 0.00103; 1000 Genomes Project 0.00100; ESP Exome Variant Server 0.00108; TOPMed 0.00131.
gnomAD v4.1: 268 of 1,611,232 alleles (0.017%); highest among the groups gnomAD compares: African/African-American, 0.3%; no homozygotes.

Submissions (6):

Labcorp Genetics (formerly Invitae), Labcorp
Classification: Benign. Last evaluated: 2026-01-16. Review status: criteria provided, single submitter. Criteria: Invitae Variant Classification Sherloc (09022015). Collection method: clinical testing. Allele origin: germline.

Molecular Diagnostic Laboratory for Inherited Cardiovascular Disease, Montreal Heart Institute
Classification: Likely benign. Last evaluated: 2025-04-09. Review status: criteria provided, single submitter. Criteria: ACMG Guidelines, 2015. Collection method: clinical testing. Allele origin: germline. Affected: no.

Blueprint Genetics
Classification: Likely benign. Last evaluated: 2024-09-02. Review status: criteria provided, single submitter. Criteria: ACMG Guidelines, 2015. Collection method: clinical testing. Allele origin: germline.

Ambry Genetics
Classification: Likely benign for Inborn genetic diseases. Last evaluated: 2022-02-12. Review status: criteria provided, single submitter. Criteria: Ambry Variant Classification Scheme 2023. Collection method: clinical testing. Allele origin: germline.

Breakthrough Genomics
Classification: Benign. Review status: criteria provided, single submitter. Criteria: ACMG Guidelines, 2015. Collection method: not provided. Allele origin: germline. Inheritance: Autosomal recessive inheritance. Affected: yes.

PreventionGenetics, part of Exact Sciences
Classification: Likely benign for CDH2-related condition. Last evaluated: 2019-04-12. Review status: no assertion criteria provided. Collection method: clinical testing. Allele origin: germline. Not counted in ClinVar's aggregate classification.
Comment: This variant is classified as likely benign based on ACMG/AMP sequence variant interpretation guidelines (Richards et al. 2015 PMID: 25741868, with internal and published modifications).